The following is an entry in ClinVar:

NM_001376.5(DYNC1H1):c.4384T>A (p.Phe1462Ile)

Gene: DYNC1H1 (dynein cytoplasmic 1 heavy chain 1; plus strand). Cytogenetic location: 14q32.31.
Variant type: single nucleotide variant.
Coding change: c.4384T>A on transcript NM_001376.5 (MANE Select); coding-DNA position 4384, T replaced by A.
Protein change: p.Phe1462Ile; replaces phenylalanine 1462 with isoleucine.
Molecular consequence: missense variant.
Genome position (GRCh38, 1-based): chr14:102,001,343, T>A. VCF-style: chr14-102001343-T-A. GRCh37 (hg19) VCF-style: chr14-102467680-T-A.
Other names: short protein forms F1462I.
Identifiers: ClinVar variation 2129962 (VCV002129962.4), dbSNP rs2503730492, ClinGen allele CA391042120.

ClinVar aggregate classification (germline): Uncertain significance (1 of 4 stars; one submission).

Conditions:
Charcot-Marie-Tooth disease axonal type 2O. Also called: CHARCOT-MARIE-TOOTH NEUROPATHY, AXONAL, TYPE 2O; CHARCOT-MARIE-TOOTH DISEASE, AXONAL, AUTOSOMAL DOMINANT, TYPE 2O; Charcot-Marie-Tooth disease, axonal, type 20; Charcot-Marie-Tooth Neuropathy Type 2O. Identifiers: Orphanet 284232, MedGen C3280220, MONDO:0013644, OMIM 614228.

Submission:

Labcorp Genetics (formerly Invitae), Labcorp
Classification: Uncertain significance for Charcot-Marie-Tooth disease axonal type 2O. Last evaluated: 2022-11-01. Review status: criteria provided, single submitter. Criteria: Invitae Variant Classification Sherloc (09022015). Collection method: clinical testing. Allele origin: germline.
Comment: This variant is not present in population databases (gnomAD no frequency). This variant has not been reported in the literature in individuals affected with DYNC1H1-related conditions. Advanced modeling of protein sequence and biophysical properties (such as structural, functional, and spatial information, amino acid conservation, physicochemical variation, residue mobility, and thermodynamic stability) performed at Invitae indicates that this missense variant is expected to disrupt DYNC1H1 protein function. In summary, the available evidence is currently insufficient to determine the role of this variant in disease. Therefore, it has been classified as a Variant of Uncertain Significance. This sequence change replaces phenylalanine, which is neutral and non-polar, with isoleucine, which is neutral and non-polar, at codon 1462 of the DYNC1H1 protein (p.Phe1462Ile).